The following is an entry in ClinVar:

NM_024996.7(GFM1):c.136dup (p.Ile46fs)

Gene: GFM1 (G elongation factor mitochondrial 1; plus strand). Cytogenetic location: 3q25.32.
Variant type: Duplication.
Coding change: c.136dup on transcript NM_024996.7 (MANE Select); coding-DNA position 136, one base duplicated (A; older notation c.136dupA).
Protein change: p.Ile46fs; shifts the reading frame from isoleucine 46.
Molecular consequence: frameshift variant. On other transcripts: 5 prime UTR variant (4), non-coding transcript variant (4).
Genome position (GRCh38, 1-based): chr3:158,645,683, A duplicated; the last of 6 consecutive A bases (chr3:158,645,678-158,645,683); duplicating any one gives the same sequence. VCF-style (leftmost placement, unchanged base first): chr3-158645677-G-GA. GRCh37 (hg19) VCF-style: chr3-158363466-G-GA.
Other names: c.136dup, p.Ile46fs (NM_001308164.2, NM_001308166.2, NM_001374355.1 and 2 more transcripts); c.-90dup (NM_001374357.1); c.-94dup (NM_001374359.1, NM_001374360.1, NM_001374361.1); short protein forms I46fs.
Identifiers: ClinVar variation 1362573 (VCV001362573.6), dbSNP rs1721717504, ClinGen allele CA2573136647.
Genomic context (GRCh38, chr3:158,645,677, plus strand): 5'-TATTTTTTTCAGGTTAATTGGAAGGCCTGCCGATGGTCTTCATCAGGGGTGATTCCTAAT[G>GA]AAAAAATACGAAATATTGGAATCTCAGCTCACATTGATTCTGGGAAAACTACATTAACAG-3'

ClinVar aggregate classification (germline): Pathogenic (1 of 4 stars; one submission).

Submission:

Labcorp Genetics (formerly Invitae), Labcorp
Classification: Pathogenic. Last evaluated: 2022-01-06. Review status: criteria provided, single submitter. Criteria: Invitae Variant Classification Sherloc (09022015). Collection method: clinical testing. Allele origin: germline.
Comment: This sequence change creates a premature translational stop signal (p.Ile46Asnfs*11) in the GFM1 gene. It is expected to result in an absent or disrupted protein product. Loss-of-function variants in GFM1 are known to be pathogenic (PMID: 16632485, 17160893). For these reasons, this variant has been classified as Pathogenic. This variant has not been reported in the literature in individuals affected with GFM1-related conditions. This variant is not present in population databases (gnomAD no frequency).

Literature cited by the submitters: PubMed 16632485; PubMed 17160893.